The following is an entry in ClinVar:

ClinVar aggregate classification (germline): Uncertain significance (1 of 4 stars; one submission).

Submission:

Dasa
Classification: Uncertain significance. Last evaluated: 2025-07-06. Review status: criteria provided, single submitter. Criteria: DASA Assertion Criteria. Collection method: clinical testing. Allele origin: germline.
Comment: NM_006593.4(TBR1):c.395C>G (p.Pro132Arg) is a missense variant that results in the substitution of proline with arginine. This variant is absent from population databases. The currently available literature and clinical evidence are not sufficient to establish a definitive association between this variant and the reported condition. Therefore, this variant is classified as a variant of uncertain significance.

NM_006593.4(TBR1):c.395C>G (p.Pro132Arg)

Gene: TBR1 (T-box brain transcription factor 1; plus strand). Cytogenetic location: 2q24.2.
Variant type: single nucleotide variant.
Coding change: c.395C>G on transcript NM_006593.4 (MANE Select); coding-DNA position 395, C replaced by G.
Protein change: p.Pro132Arg; replaces proline 132 with arginine.
Molecular consequence: missense variant.
Genome position (GRCh38, 1-based): chr2:161,416,805, C>G. VCF-style: chr2-161416805-C-G. GRCh37 (hg19) VCF-style: chr2-162273316-C-G.
Other names: short protein forms P132R.
Identifiers: ClinVar variation 5020919 (VCV005020919.1).
Genomic context (GRCh38, chr2:161,416,805, plus strand): 5'-AGCCACAGTCTGCGGCCACTGCTCCCAGTGCCATGTTCCCGTACCCCGGCCAGCACGGAC[C>G]GGCGCACCCCGCCTTCTCCATCGGCAGCCCTAGCCGCTACATGGCCCACCACCCGGTCAT-3'
Protein context (NP_006584.1, residues 122-142): AMFPYPGQHG[Pro132Arg]AHPAFSIGSP